The following is an entry in ClinVar:

NM_002471.4(MYH6):c.4959+11_4959+30del

Genes: MYH6 (myosin heavy chain 6; minus strand), LOC126861896 (BRD4-independent group 4 enhancer GRCh37_chr14:23854904-23856103; plus strand). Cytogenetic location: 14q11.2.
Variant type: Deletion.
Coding change: c.4959+11_4959+30del on transcript NM_002471.4 (MANE Select); bases 11 to 30 of the intron after coding-DNA position 4959, 20 bases deleted (GCGGGAGGTCCCCTCAGGGG).
Molecular consequence: intron variant.
Genome position (GRCh38, 1-based): chr14:23,386,285-23,386,304, CCCCTGAGGGGACCTCCCGC deleted on the plus strand (GCGGGAGGTCCCCTCAGGGG on the coding strand, the reverse complement: MYH6 is on the minus strand); deleting any 20 consecutive bases within chr14:23,386,285-23,386,308 gives the same sequence; the c. name uses the placement nearest the transcript's 3' end. VCF-style (leftmost placement, unchanged base first): chr14-23386284-TCCCCTGAGGGGACCTCCCGC-T. GRCh37 (hg19) VCF-style: chr14-23855493-TCCCCTGAGGGGACCTCCCGC-T.
Identifiers: ClinVar variation 3717703 (VCV003717703.2).

ClinVar aggregate classification (germline): Uncertain significance (1 of 4 stars; one submission).

Conditions:
Hypertrophic cardiomyopathy 14. Identifiers: MedGen C2750467, MONDO:0013197, OMIM 613251.

Submission:

Labcorp Genetics (formerly Invitae), Labcorp
Classification: Uncertain significance for Hypertrophic cardiomyopathy 14. Last evaluated: 2025-03-30. Review status: criteria provided, single submitter. Criteria: Invitae Variant Classification Sherloc (09022015). Collection method: clinical testing. Allele origin: germline.
Comment: This sequence change falls in intron 33 of the MYH6 gene. It does not directly change the encoded amino acid sequence of the MYH6 protein. This variant is not present in population databases (gnomAD no frequency). This variant has not been reported in the literature in individuals affected with MYH6-related conditions. Experimental studies and prediction algorithms are not available or were not evaluated, and the effect of this variant on mRNA splicing is currently unknown. In summary, the available evidence is currently insufficient to determine the role of this variant in disease. Therefore, it has been classified as a Variant of Uncertain Significance.